The following is an entry in ClinVar:

NM_001010874.5(TECRL):c.490A>G (p.Arg164Gly)

Gene: TECRL (trans-2,3-enoyl-CoA reductase like; minus strand). Cytogenetic location: 4q13.1.
Variant type: single nucleotide variant.
Coding change: c.490A>G on transcript NM_001010874.5 (MANE Select); coding-DNA position 490, A replaced by G.
Protein change: p.Arg164Gly; replaces arginine 164 with glycine.
Molecular consequence: missense variant.
Genome position (GRCh38, 1-based): chr4:64,314,709, T>C on the plus strand (A>G on the coding strand, the complement: TECRL is on the minus strand). VCF-style: chr4-64314709-T-C. GRCh37 (hg19) VCF-style: chr4-65180427-T-C.
Other names: c.490A>G, p.Arg164Gly (NM_001363796.1); short protein forms R164G.
Identifiers: ClinVar variation 2287689 (VCV002287689.3), dbSNP rs1430067347, ClinGen allele CA357057108.

ClinVar aggregate classification (germline): Uncertain significance (1 of 4 stars; one submission).

Conditions:
Cardiovascular phenotype. Identifiers: MedGen CN230736.

Allele frequency attached by ClinVar (database versions not stated): TOPMed below 0.00001.
gnomAD v4.1: 3 of 1,612,668 alleles (0.00019%); highest among the groups gnomAD compares: Non-Finnish European, 0.00017%; no homozygotes.

Submission:

Ambry Genetics
Classification: Uncertain significance for Cardiovascular phenotype. Last evaluated: 2025-12-01. Review status: criteria provided, single submitter. Criteria: Ambry Variant Classification Scheme 2023. Collection method: clinical testing. Allele origin: germline.
Comment: The p.R164G variant (also known as c.490A>G), located in coding exon 5 of the TECRL gene, results from an A to G substitution at nucleotide position 490. The arginine at codon 164 is replaced by glycine, an amino acid with dissimilar properties. This amino acid position is conserved. In addition, the in silico prediction for this alteration is inconclusive. Based on the available evidence, the clinical significance of this variant remains unclear.